The following is an entry in ClinVar:

ClinVar aggregate classification (germline): Uncertain significance. Review status: criteria provided, multiple submitters, no conflicts (2 of 4 stars). 2 submissions from 2 submitters: Uncertain significance (2). Last evaluated 2025-03-07.

Conditions:
Methylcobalamin deficiency type cblG (HMAG). Also called: HOMOCYSTINURIA-MEGALOBLASTIC ANEMIA, cblG COMPLEMENTATION TYPE; HOMOCYSTINURIA-MEGALOBLASTIC ANEMIA DUE TO DEFECT IN COBALAMIN METABOLISM, cblG COMPLEMENTATION TYPE; HOMOCYSTINURIA-MEGALOBLASTIC ANEMIA, cblG TYPE; Functional methionine synthase deficiency type cblG. Identifiers: Orphanet 2170, Orphanet 622, MedGen C1855128, MONDO:0009609, OMIM 250940.

Submissions (2):

Labcorp Genetics (formerly Invitae), Labcorp
Classification: Uncertain significance for Methylcobalamin deficiency type cblG. Last evaluated: 2025-03-07. Review status: criteria provided, single submitter. Criteria: Invitae Variant Classification Sherloc (09022015). Collection method: clinical testing. Allele origin: germline.
Comment: This sequence change replaces arginine, which is basic and polar, with leucine, which is neutral and non-polar, at codon 43 of the MTR protein (p.Arg43Leu). This variant is present in population databases (no rsID available, gnomAD 0.008%). This variant has not been reported in the literature in individuals affected with MTR-related conditions. ClinVar contains an entry for this variant (Variation ID: 1411947). An algorithm developed to predict the effect of missense changes on protein structure and function (PolyPhen-2) suggests that this variant is likely to be tolerated. In summary, the available evidence is currently insufficient to determine the role of this variant in disease. Therefore, it has been classified as a Variant of Uncertain Significance.

Revvity Omics, Revvity
Classification: Uncertain significance for Methylcobalamin deficiency type cblG. Last evaluated: 2022-12-13. Review status: criteria provided, single submitter. Criteria: ACMG Guidelines, 2015. Collection method: clinical testing. Allele origin: germline.

NM_000254.3(MTR):c.128_129delinsTT (p.Arg43Leu)

Gene: MTR (5-methyltetrahydrofolate-homocysteine methyltransferase; plus strand). Cytogenetic location: 1q43.
Variant type: Indel.
Coding change: c.128_129delinsTT on transcript NM_000254.3 (MANE Select); coding-DNA positions 128 to 129, GG replaced by TT.
Protein change: p.Arg43Leu; replaces arginine 43 with leucine.
Molecular consequence: missense variant. On other transcripts: 5 prime UTR variant (1).
Genome position (GRCh38, 1-based): chr1:236,803,521-236,803,522, GG replaced by TT. VCF-style: chr1-236803521-GG-TT. GRCh37 (hg19) VCF-style: chr1-236966821-GG-TT.
Other names: c.128_129delinsTT, p.Arg43Leu (NM_001291939.1); c.-981_-980delinsTT (NM_001291940.2); short protein forms R43L.
Identifiers: ClinVar variation 1411947 (VCV001411947.8), dbSNP rs1660806761, ClinGen allele CA2487070488.
Genomic context (GRCh38, chr1:236,803,521, plus strand): 5'-ATGCCATTCTGCAGAAGAGGATTATGGTGCTGGATGGAGGGATGGGGACCATGATCCAGC[GG>TT]GAGAAGCTAAACGAAGAACACTTCCGAGGTCAGGAATTTAAAGATCATGCCAGGCCGCTG-3'
Protein context (NP_000245.2, residues 33-53): LDGGMGTMIQ[Arg43Leu]EKLNEEHFRG